The following is an entry in ClinVar:

NM_000112.4(SLC26A2):c.956A>G (p.Lys319Arg)

Gene: SLC26A2 (solute carrier family 26 member 2; plus strand). Cytogenetic location: 5q32.
Variant type: single nucleotide variant.
Coding change: c.956A>G on transcript NM_000112.4 (MANE Select); coding-DNA position 956, A replaced by G.
Protein change: p.Lys319Arg; replaces lysine 319 with arginine.
Molecular consequence: missense variant.
Genome position (GRCh38, 1-based): chr5:149,980,549, A>G. VCF-style: chr5-149980549-A-G. GRCh37 (hg19) VCF-style: chr5-149360112-A-G.
Other names: c.956A>G (NM_000112.3); short protein forms K319R.
Identifiers: ClinVar variation 1359843 (VCV001359843.4), dbSNP rs536416205, ClinGen allele CA3505360.
Genomic context (GRCh38, chr5:149,980,549, plus strand): 5'-AGACCAATCTCTGTGATCTTATCACCAGCCTTTTGTGCCTTTTGGTTCTTTTGCCAACCA[A>G]AGAACTCAATGAACACTTCAAATCCAAGCTTAAGGCACCGATTCCTATTGAACTTGTTGT-3'
Protein context (NP_000103.2, residues 309-329): LLCLLVLLPT[Lys319Arg]ELNEHFKSKL

ClinVar aggregate classification (germline): Uncertain significance. Review status: criteria provided, multiple submitters, no conflicts (2 of 4 stars). 2 submissions from 2 submitters: Uncertain significance (2). Last evaluated 2025-04-03.

Conditions:
Inborn genetic diseases. Identifiers: MedGen C0950123, MeSH D030342.
Achondrogenesis, type IB (ACG1B). Also called: Achondrogenesis Type 1B. Identifiers: Orphanet 932, Orphanet 93298, MedGen C0265274, MONDO:0010966, OMIM 600972.
Diastrophic dysplasia (DTD). Also called: Diastrophic dwarfism. Identifiers: Orphanet 628, MedGen C0220726, MONDO:0009107, OMIM 222600.
Multiple epiphyseal dysplasia type 4 (EDM4). Also called: MULTIPLE EPIPHYSEAL DYSPLASIA WITH BILAYERED PATELLAE; MULTIPLE EPIPHYSEAL DYSPLASIA WITH CLUBFOOT; MULTIPLE EPIPHYSEAL DYSPLASIA, AUTOSOMAL RECESSIVE; SLC26A2-Related Multiple Epiphyseal Dysplasia; Multiple Epiphyseal Dysplasia, Recessive. Identifiers: Orphanet 93307, MedGen C1847593, MONDO:0009189, OMIM 226900.
Atelosteogenesis type II (AO2). Also called: NEONATAL OSSEOUS DYSPLASIA I; Neonatal osseous dysplasia 1; SLC26A2-Related Atelosteogenesis. Identifiers: Orphanet 56304, MedGen C1850554, MONDO:0009727, OMIM 256050.

Allele frequency attached by ClinVar (database versions not stated): ExAC 0.00001; gnomAD exomes 0.00001 and 0.00002; gnomAD 0.00004; TOPMed 0.00010; 1000 Genomes Project 30x 0.00016; 1000 Genomes Project 0.00020.
gnomAD v4.1: 20 of 1,614,182 alleles (0.0012%); highest among the groups gnomAD compares: Admixed American, 0.012%; no homozygotes.

Submissions (2):

Ambry Genetics
Classification: Uncertain significance for Inborn genetic diseases. Last evaluated: 2025-04-03. Review status: criteria provided, single submitter. Criteria: Ambry Variant Classification Scheme 2023. Collection method: clinical testing. Allele origin: germline.

Labcorp Genetics (formerly Invitae), Labcorp
Classification: Uncertain significance for Atelosteogenesis type II; Multiple epiphyseal dysplasia type 4; Achondrogenesis, type IB; Diastrophic dysplasia. Last evaluated: 2022-10-14. Review status: criteria provided, single submitter. Criteria: Invitae Variant Classification Sherloc (09022015). Collection method: clinical testing. Allele origin: germline.
Comment: This sequence change replaces lysine, which is basic and polar, with arginine, which is basic and polar, at codon 319 of the SLC26A2 protein (p.Lys319Arg). This variant is present in population databases (rs536416205, gnomAD 0.008%). This variant has not been reported in the literature in individuals affected with SLC26A2-related conditions. ClinVar contains an entry for this variant (Variation ID: 1359843). Advanced modeling of protein sequence and biophysical properties (such as structural, functional, and spatial information, amino acid conservation, physicochemical variation, residue mobility, and thermodynamic stability) performed at Invitae indicates that this missense variant is not expected to disrupt SLC26A2 protein function. In summary, the available evidence is currently insufficient to determine the role of this variant in disease. Therefore, it has been classified as a Variant of Uncertain Significance.